The following is an entry in ClinVar:

NM_005045.4(RELN):c.9651G>T (p.Lys3217Asn)

Genes: RELN (reelin; minus strand), SLC26A5-AS1 (SLC26A5 antisense RNA 1; plus strand), LOC126860130 (BRD4-independent group 4 enhancer GRCh37_chr7:103130126-103131325; plus strand). Cytogenetic location: 7q22.1.
Variant type: single nucleotide variant.
Coding change: c.9651G>T on transcript NM_005045.4 (MANE Select); coding-DNA position 9651, G replaced by T.
Protein change: p.Lys3217Asn; replaces lysine 3217 with asparagine.
Molecular consequence: missense variant.
Genome position (GRCh38, 1-based): chr7:103,489,854, C>A on the plus strand (G>T on the coding strand, the complement: RELN is on the minus strand). VCF-style: chr7-103489854-C-A. GRCh37 (hg19) VCF-style: chr7-103130301-C-A.
Other names: c.9651G>T, p.Lys3217Asn (NM_173054.3); short protein forms K3217N.
Identifiers: ClinVar variation 2115552 (VCV002115552.4), dbSNP rs2485712981, ClinGen allele CA368744042.
Genomic context (GRCh38, chr7:103,489,854, plus strand): 5'-CCCGCTGCAGAGCTTGGGGCAAGCCTCTCCAATGTACACGTGGTCAATTGCCCAGCTTTG[C>A]TTCTCAGTTTCTTCTCCCTTCTGGATCCAGCGGAACTGTGTTGCACTGAAAGAACCACAG-3'
Protein context (NP_005036.2, residues 3207-3227): RWIQKGEETE[Lys3217Asn]QSWAIDHVYI

ClinVar aggregate classification (germline): Uncertain significance (1 of 4 stars; one submission).

Conditions:
Norman-Roberts syndrome (LIS2). Also called: Lissencephaly 2 (Norman-Roberts type). Identifiers: Orphanet 89844, MedGen C0796089, MONDO:0009760, OMIM 257320.
Familial temporal lobe epilepsy 7. Identifiers: Orphanet 101046, MedGen C4225327, MONDO:0014639, OMIM 616436.

gnomAD v4.1: 1 of 1,614,164 alleles (0.000062%); highest among the groups gnomAD compares: Non-Finnish European, 0.000085%; no homozygotes.

Submission:

Labcorp Genetics (formerly Invitae), Labcorp
Classification: Uncertain significance for Familial temporal lobe epilepsy 7; Norman-Roberts syndrome. Last evaluated: 2022-08-18. Review status: criteria provided, single submitter. Criteria: Invitae Variant Classification Sherloc (09022015). Collection method: clinical testing. Allele origin: germline.
Comment: This sequence change replaces lysine, which is basic and polar, with asparagine, which is neutral and polar, at codon 3217 of the RELN protein (p.Lys3217Asn). This variant is not present in population databases (gnomAD no frequency). This variant has not been reported in the literature in individuals affected with RELN-related conditions. Algorithms developed to predict the effect of missense changes on protein structure and function are either unavailable or do not agree on the potential impact of this missense change (SIFT: "Deleterious"; PolyPhen-2: "Benign"; Align-GVGD: "Class C0"). In summary, the available evidence is currently insufficient to determine the role of this variant in disease. Therefore, it has been classified as a Variant of Uncertain Significance.